The following is an entry in ClinVar:

ClinVar aggregate classification (germline): Uncertain significance (1 of 4 stars; one submission).

Conditions:
Intellectual developmental disorder, X-linked, syndromic, Turner type. Also called: X-linked intellectual disability, Turner type; Intellectual disability, X-linked syndromic, Turner type. Identifiers: Orphanet 3056, Orphanet 85328, MedGen C2678046, MONDO:0010407, OMIM 309590.

gnomAD v4.1: 4 of 1,169,667 alleles (0.00034%); highest among the groups gnomAD compares: East Asian, 0.0032%; no homozygotes.

Submission:

Victorian Clinical Genetics Services, Murdoch Childrens Research Institute
Classification: Uncertain significance for Intellectual developmental disorder, X-linked, syndromic, Turner type. Last evaluated: 2025-04-14. Review status: criteria provided, single submitter. Criteria: ACMG Guidelines, 2015. Collection method: clinical testing. Allele origin: germline. Affected: yes.
Comment: This variant is classified as VUS-3A. Evidence in support of pathogenic classification: Variant is present in gnomAD <0.01 for a recessive condition (v4: 4 heterozygote(s), 0 homozygote(s), 0 hemizygote(s)); This variant has limited previous evidence of pathogenicity in an unrelated individual(s). This variant has been classified as likely pathogenic and reported in an individual with intellectual disability (DECIPHER); Another missense variant comparable to the one identified in this case has limited previous evidence for pathogenicity. p.(Arg2650His) has been reported in the literature in an individual with severe intellectual disability and congenital microcephaly (PMID: 25356899); Missense variant predicted to be damaging by in silico tool(s) or highly conserved with a major amino acid change. Additional information: Variant is predicted to result in a missense amino acid change from arginine to cysteine; This variant is hemizygous; This gene is associated with X-linked disease. Due to skewed X-inactivation, heterozygous females may be variably affected, ranging from asymptomatic to fully manifesting the condition (PMID: 29180823); Alternative amino acid change(s) at the same position are present in gnomAD (Highest allele count: v4: 1 heterozygote(s), 0 homozygote(s)); No published functional evidence has been identified for this variant; Variant is not located in an established domain, motif, hotspot or informative constraint region; Loss of function and gain of function are known mechanisms of disease in this gene and are associated with intellectual developmental disorder, X-linked syndromic, Turner type (MIM#309590) (PMID: 27130160).

Literature cited by the submitters: PubMed 27130160; PubMed 29180823; PubMed 25356899.

NM_031407.7(HUWE1):c.7948C>T (p.Arg2650Cys)

Gene: HUWE1 (HECT, UBA and WWE domain containing E3 ubiquitin protein ligase 1; minus strand). Cytogenetic location: Xp11.22.
Variant type: single nucleotide variant.
Coding change: c.7948C>T on transcript NM_031407.7 (MANE Select); coding-DNA position 7948, C replaced by T.
Protein change: p.Arg2650Cys; replaces arginine 2650 with cysteine.
Molecular consequence: missense variant.
Genome position (GRCh38, 1-based): chrX:53,559,028, G>A on the plus strand (C>T on the coding strand, the complement: HUWE1 is on the minus strand). VCF-style: chrX-53559028-G-A. GRCh37 (hg19) VCF-style: chrX-53585989-G-A.
Other names: c.7945C>T, p.Arg2649Cys (NM_001441048.1, NM_001441051.1, NM_001441053.1 and 2 more transcripts); c.7948C>T, p.Arg2650Cys (NM_001441049.1, NM_001441054.1, NM_001441057.1); c.7969C>T, p.Arg2657Cys (NM_001441050.1, NM_001441055.1); c.7546C>T, p.Arg2516Cys (NM_001441052.1); short protein forms R2516C, R2649C, R2650C, R2657C.
Identifiers: ClinVar variation 4531333 (VCV004531333.1).